The following is an entry in ClinVar:

ClinVar aggregate classification (germline): Likely pathogenic. Review status: criteria provided, multiple submitters, no conflicts (2 of 4 stars). 3 submissions from 3 submitters: Likely pathogenic (3). Last evaluated 2026-07-16.

Conditions:
Cardiovascular phenotype. Identifiers: MedGen CN230736.
Amyloidosis, hereditary systemic 1 (AMYLD1). Also called: Isolated Cardiac Amyloidosis; Amyloid Cardiomyopathy, Transthyretin-related; AMYLOID CARDIOMYOPATHY; Hereditary Transthyretin Amyloidosis; Familial amyloid polyneuropathy; Transthyretin Amyloidosis. Identifiers: Orphanet 85447, Orphanet 85451, MedGen C2751492, MONDO:0971004, OMIM 105210.

Submissions (3):

Ambry Genetics
Classification: Likely pathogenic for Cardiovascular phenotype. Last evaluated: 2026-07-16. Review status: criteria provided, single submitter. Criteria: Ambry Variant Classification Scheme 2023. Collection method: clinical testing. Allele origin: germline.
Comment: The c.220_221delGAinsTC variant (also known as p.E74S) located in coding exon 3 of the TTR gene, results from a deletion of GA and insertion of TC between nucleotide positions 220 and 221. This results in the substitution of the glutamic acid residue for a serine residue at codon 74, an amino acid with similar properties. This variant (also referred to as p.E54S) has been detected in hereditary transthyretin amyloidosis cohorts (Waddington-Cruz M et al. J Peripher Nerv Syst, 2021 Jun;26:160-166; Waddington-Cruz M et al. Amyloid, 2018 Sep;25:180-188; Fazzini L et al. JACC Adv, 2025 Aug;4:102036). Other variants affecting the same codon (including p.E74Q and p.E47K) have also been detected in individuals with clinical features consistent with amyloidosis (Rowczenio DM et al. Hum. Mutat., 2014 Sep;35:E2403-12; Koike H et al. J. Neurol. Sci., 2018 11;394:99-106). Based on internal structural analysis, this variant is predicted to be structurally disruptive (Eneqvist T et al. J Biol Chem. 2004 Jun;279(25):26411-6; Miyata M et al. Biochemistry. 2010 Jan;49(1):114-23; Ambry internal data). This amino acid position is highly conserved in available vertebrate species. In addition, the in silico prediction for this alteration is inconclusive (Choi Y et al. PLoS ONE. 2012; 7(10):e46688). This variant is considered to be rare based on population cohorts in the Genome Aggregation Database (gnomAD). Based on the majority of available evidence to date, this variant is likely to be pathogenic.

Labcorp Genetics (formerly Invitae), Labcorp
Classification: Likely pathogenic for Amyloidosis, hereditary systemic 1. Last evaluated: 2023-05-22. Review status: criteria provided, single submitter. Criteria: Invitae Variant Classification Sherloc (09022015). Collection method: clinical testing. Allele origin: germline.
Comment: ClinVar contains an entry for this variant (Variation ID: 181701). This missense change has been observed in individual(s) with clinical features of transthyretin amyloidosis (PMID: 28911993; Invitae). Information on the frequency of this variant in the gnomAD database is not available, as this variant may be reported differently in the database. This sequence change replaces glutamic acid, which is acidic and polar, with serine, which is neutral and polar, at codon 74 of the TTR protein (p.Glu74Ser). An algorithm developed to predict the effect of missense changes on protein structure and function (PolyPhen-2) suggests that this variant is likely to be disruptive. In summary, the currently available evidence indicates that the variant is pathogenic, but additional data are needed to prove that conclusively. Therefore, this variant has been classified as Likely Pathogenic. This variant disrupts the p.Glu74 amino acid residue in TTR. Other variant(s) that disrupt this residue have been determined to be pathogenic (PMID: 12101461, 16053476, 18830126, 23713495, 25471118, 27238058, 27519456). This suggests that this residue is clinically significant, and that variants that disrupt this residue are likely to be disease-causing.

GeneDx
Classification: Likely pathogenic. Last evaluated: 2013-09-30. Review status: criteria provided, single submitter. Criteria: GeneDx Variant Classification (06012015). Collection method: clinical testing. Allele origin: germline. Affected: yes.
Comment: The Glu74Ser variant in the TTR gene has not been reported to our knowledge, other variants affecting this same residue, (Glu74Asp, Glu74Gly, Glu74Lys) as well as neighboring codons (Gly73Ala, Gly73Arg, Gly73Glu, Leu75Arg, Leu75Gln, Leu75Pro) have been reported in association with transthyretin amyloidosis (Sekijima Y et al., 2012). Glu74Ser is a non-conservative amino acid substitution of a negatively charged Glutamic acid residue with a non-polar Serine residue due to a 2-base pair substitution (GA to TC). In silico analysis predicts Glu74Ser is probably damaging to the protein structure/function. Furthermore, Glu74Ser was not observed in approximately 6,500 individuals of European and African American ancestry in the NHLBI Exome Sequencing Project, indicating it is not a common benign variant in these populations. Therefore we consider this variant to be likely pathogenic.

Literature cited by the submitters: PubMed 15082720 (cited by Ambry Genetics); PubMed 18830126 (cited by Ambry Genetics and Labcorp Genetics (formerly Invitae), Labcorp); PubMed 19950966 (cited by Ambry Genetics); PubMed 30169969 (cited by Ambry Genetics); PubMed 33844361 (cited by Ambry Genetics); PubMed 40712265 (cited by Ambry Genetics); PubMed 7599630 (cited by Ambry Genetics); PubMed 28911993 (cited by Labcorp Genetics (formerly Invitae), Labcorp); PubMed 12101461 (cited by Labcorp Genetics (formerly Invitae), Labcorp); PubMed 16053476 (cited by Labcorp Genetics (formerly Invitae), Labcorp); PubMed 23713495 (cited by Labcorp Genetics (formerly Invitae), Labcorp); PubMed 25471118 (cited by Labcorp Genetics (formerly Invitae), Labcorp); PubMed 27238058 (cited by Labcorp Genetics (formerly Invitae), Labcorp); PubMed 27519456 (cited by Labcorp Genetics (formerly Invitae), Labcorp).

NM_000371.4(TTR):c.220_221inv (p.Glu74Ser)

Gene: TTR (transthyretin; plus strand). Cytogenetic location: 18q12.1.
Variant type: Inversion.
Coding change: c.220_221inv on transcript NM_000371.4 (MANE Select).
Protein change: p.Glu74Ser; replaces glutamic acid 74 with serine.
Molecular consequence: missense variant.
Genome position: GRCh38 VCF-style: chr18-31595139-GA-TC. GRCh37 (hg19) VCF-style: chr18-29175102-GA-TC.
Other names: p.E74S:GAG>TCG; c.220_221delGAinsTC (NM_000371.3); short protein forms E74S.
Identifiers: ClinVar variation 181701 (VCV000181701.13), ClinGen allele CA297537.